The following is an entry in ClinVar:

NM_001035.3(RYR2):c.7385C>T (p.Pro2462Leu)

Gene: RYR2 (ryanodine receptor 2; plus strand). Cytogenetic location: 1q43.
Variant type: single nucleotide variant.
Coding change: c.7385C>T on transcript NM_001035.3 (MANE Select); coding-DNA position 7385, C replaced by T.
Protein change: p.Pro2462Leu; replaces proline 2462 with leucine.
Molecular consequence: missense variant.
Genome position (GRCh38, 1-based): chr1:237,648,486, C>T. VCF-style: chr1-237648486-C-T. GRCh37 (hg19) VCF-style: chr1-237811786-C-T.
Other names: p.P2462L:CCA>CTA; c.7385C>T, p.Pro2462Leu (LRG_402t1); short protein forms P2462L.
Identifiers: ClinVar variation 201281 (VCV000201281.2), dbSNP rs794728757, ClinGen allele CA010694.

ClinVar aggregate classification (germline): Likely pathogenic (1 of 4 stars; one submission).

Submission:

GeneDx
Classification: Likely pathogenic. Last evaluated: 2012-07-31. Review status: criteria provided, single submitter. Criteria: GeneDx Variant Classification (06012015). Collection method: clinical testing. Allele origin: germline. Affected: yes.
Comment: p.Pro2462Leu (CCA>CTA): c.7385 C>T in exon 49 of the RYR2 gene (NM_001035.2). The Pro2462Leu variant in the RYR2 gene has not been reported as a disease-causing mutation or as a benign polymorphism to our knowledge. Pro2462Leu results in a non-conservative amino acid substitution of one non-polar residue for another at a position that is conserved across species. In silico analysis predicts Pro2462Leu is probably damaging to the protein structure/function. Mutations in nearby residues (Arg2474Ser, Val2475Phe) have been reported in association with CPVT, further supporting the functional importance of this region of the protein. Furthermore, the NHLBI ESP Exome Variant Server reports Pro2462Leu was not observed in approximately 6,000 samples from individuals of European and African American backgrounds, indicating it is not a common benign variant in these populations. In summary, while Pro2462Leu is a good candidate for a disease-causing mutation, with the clinical and molecular information available at this time we cannot unequivocally determine the clinical significance of this variant. The variant is found in CPVT panel(s).